The following is an entry in ClinVar:

NM_006940.6(SOX5):c.770A>G (p.Gln257Arg)

Gene: SOX5 (SRY-box transcription factor 5; minus strand). Cytogenetic location: 12p12.1.
Variant type: single nucleotide variant.
Coding change: c.770A>G on transcript NM_006940.6 (MANE Select); coding-DNA position 770, A replaced by G.
Protein change: p.Gln257Arg; replaces glutamine 257 with arginine.
Molecular consequence: missense variant.
Genome position (GRCh38, 1-based): chr12:23,734,724, T>C on the plus strand (A>G on the coding strand, the complement: SOX5 is on the minus strand). VCF-style: chr12-23734724-T-C. GRCh37 (hg19) VCF-style: chr12-23887658-T-C.
Other names: c.731A>G, p.Gln244Arg (NM_001261414.3, NM_152989.5); c.740A>G, p.Gln247Arg (NM_001261415.3); c.665A>G, p.Gln222Arg (NM_001330785.2); short protein forms Q222R, Q244R, Q247R, Q257R.
Identifiers: ClinVar variation 3769695 (VCV003769695.1).

ClinVar aggregate classification (germline): Uncertain significance (1 of 4 stars; one submission).

Submission:

GeneDx
Classification: Uncertain significance. Last evaluated: 2024-09-12. Review status: criteria provided, single submitter. Criteria: GeneDx Variant Classification Process June 2021. Collection method: clinical testing. Allele origin: germline. Affected: yes.
Comment: In silico analysis supports that this missense variant has a deleterious effect on protein structure/function; Has not been previously published as pathogenic or benign to our knowledge